The following is an entry in ClinVar:

ClinVar aggregate classification (germline): Uncertain significance (1 of 4 stars; one submission).

Conditions:
Primary ciliary dyskinesia 6. Also called: Primary Ciliary Dyskinesia 6: TXNDC3-Related Primary Ciliary Dyskinesia. Identifiers: Orphanet 244, MedGen C1970506, MONDO:0012571, OMIM 610852.

Allele frequency attached by ClinVar (database versions not stated): gnomAD exomes below 0.00001.
gnomAD v4.1: 1 of 1,597,986 alleles (0.000063%); highest among the groups gnomAD compares: East Asian, 0.0022%; no homozygotes.

Submission:

Labcorp Genetics (formerly Invitae), Labcorp
Classification: Uncertain significance for Primary ciliary dyskinesia 6. Last evaluated: 2021-09-15. Review status: criteria provided, single submitter. Criteria: Invitae Variant Classification Sherloc (09022015). Collection method: clinical testing. Allele origin: germline.
Comment: In summary, the available evidence is currently insufficient to determine the role of this variant in disease. Therefore, it has been classified as a Variant of Uncertain Significance. Algorithms developed to predict the effect of missense changes on protein structure and function are either unavailable or do not agree on the potential impact of this missense change (SIFT: "Tolerated"; PolyPhen-2: "Probably Damaging"; Align-GVGD: "Class C0"). This variant has not been reported in the literature in individuals affected with NME8-related conditions. This variant is not present in population databases (ExAC no frequency). This sequence change replaces proline with serine at codon 128 of the NME8 protein (p.Pro128Ser). The proline residue is moderately conserved and there is a moderate physicochemical difference between proline and serine.

NM_016616.5(NME8):c.382C>T (p.Pro128Ser)

Gene: NME8 (NME/NM23 family member 8; plus strand). Cytogenetic location: 7p14.1.
Variant type: single nucleotide variant.
Coding change: c.382C>T on transcript NM_016616.5 (MANE Select); coding-DNA position 382, C replaced by T.
Protein change: p.Pro128Ser; replaces proline 128 with serine.
Molecular consequence: missense variant.
Genome position (GRCh38, 1-based): chr7:37,862,139, C>T. VCF-style: chr7-37862139-C-T. GRCh37 (hg19) VCF-style: chr7-37901741-C-T.
Other names: short protein forms P128S.
Identifiers: ClinVar variation 1362369 (VCV001362369.6), dbSNP rs2131947171, ClinGen allele CA367221448.